The following is an entry in ClinVar:

NM_032856.5(WDR73):c.346G>A (p.Asp116Asn)

Gene: WDR73 (WD repeat domain 73; minus strand). Cytogenetic location: 15q25.2.
Variant type: single nucleotide variant.
Coding change: c.346G>A on transcript NM_032856.5 (MANE Select); coding-DNA position 346, G replaced by A.
Protein change: p.Asp116Asn; replaces aspartic acid 116 with asparagine.
Molecular consequence: missense variant. On other transcripts: non-coding transcript variant (4).
Genome position (GRCh38, 1-based): chr15:84,647,896, C>T on the plus strand (G>A on the coding strand, the complement: WDR73 is on the minus strand). VCF-style: chr15-84647896-C-T. GRCh37 (hg19) VCF-style: chr15-85191127-C-T.
Other names: c.346G>A (NM_032856.4); short protein forms D116N.
Identifiers: ClinVar variation 2086079 (VCV002086079.6), dbSNP rs554834821, ClinGen allele CA7707434.
Genomic context (GRCh38, chr15:84,647,896, plus strand): 5'-GTATGAGTCACACTTTCCTAGAACCCCAAACCCCATCAAGTCAAATTCACTCACCACTGT[C>T]CTCTGCAACCTGCCACACCTGCAGATAACAACCTGGAAGGCCACTGGTAACCAGCAATCT-3'
Protein context (NP_116245.2, residues 106-126): CYLQVWQVAE[Asp116Asn]SDVIKAVSTI

ClinVar aggregate classification (germline): Uncertain significance. Review status: criteria provided, multiple submitters, no conflicts (2 of 4 stars). 3 submissions from 3 submitters: Uncertain significance (3). Last evaluated 2024-05-16.

Conditions:
Galloway-Mowat syndrome 1 (GAMOS1). Identifiers: Orphanet 2065, Orphanet 83472, MedGen C4551772, MONDO:0033005, OMIM 251300.

Allele frequency attached by ClinVar (database versions not stated): TOPMed 0.00003; gnomAD 0.00004; gnomAD exomes 0.00009; 1000 Genomes Project 0.00020; ExAC 0.00022; 1000 Genomes Project 30x 0.00031.
gnomAD v4.1: 138 of 1,613,968 alleles (0.0086%); highest among the groups gnomAD compares: South Asian, 0.044%; 1 homozygote.

Submissions (3):

Fulgent Genetics
Classification: Uncertain significance for Galloway-Mowat syndrome 1. Last evaluated: 2024-05-16. Review status: criteria provided, single submitter. Criteria: ACMG Guidelines, 2015. Collection method: clinical testing. Allele origin: germline.

Labcorp Genetics (formerly Invitae), Labcorp
Classification: Uncertain significance. Last evaluated: 2022-11-28. Review status: criteria provided, single submitter. Criteria: Invitae Variant Classification Sherloc (09022015). Collection method: clinical testing. Allele origin: germline.
Comment: In summary, the available evidence is currently insufficient to determine the role of this variant in disease. Therefore, it has been classified as a Variant of Uncertain Significance. Advanced modeling of protein sequence and biophysical properties (such as structural, functional, and spatial information, amino acid conservation, physicochemical variation, residue mobility, and thermodynamic stability) has been performed at Invitae for this missense variant, however the output from this modeling did not meet the statistical confidence thresholds required to predict the impact of this variant on WDR73 protein function. This variant has not been reported in the literature in individuals affected with WDR73-related conditions. This variant is present in population databases (rs554834821, gnomAD 0.05%), including at least one homozygous and/or hemizygous individual. This sequence change replaces aspartic acid, which is acidic and polar, with asparagine, which is neutral and polar, at codon 116 of the WDR73 protein (p.Asp116Asn).

Revvity Omics, Revvity
Classification: Uncertain significance for Galloway-Mowat syndrome 1. Last evaluated: 2020-12-05. Review status: criteria provided, single submitter. Criteria: ACMG Guidelines, 2015. Collection method: clinical testing. Allele origin: germline.